The following is an entry in ClinVar:

NM_001379286.1(ZNF423):c.2900A>T (p.Tyr967Phe)

Gene: ZNF423 (zinc finger protein 423; minus strand). Cytogenetic location: 16q12.1.
Variant type: single nucleotide variant.
Coding change: c.2900A>T on transcript NM_001379286.1 (MANE Select); coding-DNA position 2900, A replaced by T.
Protein change: p.Tyr967Phe; replaces tyrosine 967 with phenylalanine.
Molecular consequence: missense variant.
Genome position (GRCh38, 1-based): chr16:49,636,276, T>A on the plus strand (A>T on the coding strand, the complement: ZNF423 is on the minus strand). VCF-style: chr16-49636276-T-A. GRCh37 (hg19) VCF-style: chr16-49670187-T-A.
Other names: c.2696A>T, p.Tyr899Phe (NM_001271620.2); c.2525A>T, p.Tyr842Phe (NM_001330533.2); c.2876A>T, p.Tyr959Phe (NM_015069.5); short protein forms Y842F, Y967F, Y899F, Y959F.
Identifiers: ClinVar variation 1036804 (VCV001036804.6), dbSNP rs760522262, ClinGen allele CA395841140.
Genomic context (GRCh38, chr16:49,636,276, plus strand): 5'-ACCTTGTGTTCGGTGAGCGTCAGCAGCGAAGGGAAGCGCTCACCACAGATGGGACACATG[T>A]AGTGCTTGGCAGGGCCCCGGTGCGTCTGCAGGTGCTCCCGTAGCCCGTTCTCCGAGAAGA-3'
Protein context (NP_001366215.1, residues 957-977): LQTHRGPAKH[Tyr967Phe]MCPICGERFP

ClinVar aggregate classification (germline): Uncertain significance (1 of 4 stars; one submission).

Conditions:
Nephronophthisis 14 (NPHP14). Identifiers: Orphanet 2318, MedGen C3539071, MONDO:0013916, OMIM 614844.

Allele frequency attached by ClinVar (database versions not stated): TOPMed 0.00001.
gnomAD v4.1: 2 of 1,612,916 alleles (0.00012%); highest among the groups gnomAD compares: Admixed American, 0.0033%; no homozygotes.

Submission:

Labcorp Genetics (formerly Invitae), Labcorp
Classification: Uncertain significance for Nephronophthisis 14. Last evaluated: 2022-02-10. Review status: criteria provided, single submitter. Criteria: Invitae Variant Classification Sherloc (09022015). Collection method: clinical testing. Allele origin: germline.
Comment: ClinVar contains an entry for this variant (Variation ID: 1036804). This variant has not been reported in the literature in individuals affected with ZNF423-related conditions. This variant is not present in population databases (gnomAD no frequency). This sequence change replaces tyrosine, which is neutral and polar, with phenylalanine, which is neutral and non-polar, at codon 959 of the ZNF423 protein (p.Tyr959Phe). Algorithms developed to predict the effect of missense changes on protein structure and function are either unavailable or do not agree on the potential impact of this missense change (SIFT: "Tolerated"; PolyPhen-2: "Probably Damaging"; Align-GVGD: "Class C0"). In summary, the available evidence is currently insufficient to determine the role of this variant in disease. Therefore, it has been classified as a Variant of Uncertain Significance.